The following is an entry in ClinVar:

ClinVar aggregate classification (germline): Conflicting classifications of pathogenicity. Review status: criteria provided, conflicting classifications (1 of 4 stars). 4 submissions from 4 submitters: Uncertain significance (2); Likely benign (1). 1 of the submissions does not count toward it. Last evaluated 2025-05-30.

Allele frequency attached by ClinVar (database versions not stated): gnomAD 0.00003; ExAC 0.00030; TOPMed 0.00002; gnomAD exomes 0.00026.

Submissions (4):

Labcorp Genetics (formerly Invitae), Labcorp
Classification: Likely benign. Last evaluated: 2025-05-30. Review status: criteria provided, single submitter. Criteria: Invitae Variant Classification Sherloc (09022015). Collection method: clinical testing. Allele origin: germline.

Blueprint Genetics
Classification: Uncertain significance. Last evaluated: 2023-09-22. Review status: criteria provided, single submitter. Criteria: ACMG Guidelines, 2015. Collection method: clinical testing. Allele origin: germline.

GeneDx
Classification: Uncertain significance. Last evaluated: 2022-06-03. Review status: criteria provided, single submitter. Criteria: GeneDx Variant Classification Process June 2021. Collection method: clinical testing. Allele origin: germline. Affected: yes.
Comment: In silico analysis supports that this missense variant has a deleterious effect on protein structure/function; Has not been previously published as pathogenic or benign to our knowledge

Department of Pathology and Laboratory Medicine, Sinai Health System
Classification: Uncertain significance. Review status: no assertion criteria provided. Collection method: clinical testing. Allele origin: unknown. Affected: yes. Study: The Canadian Open Genetics Repository (COGR). Not counted in ClinVar's aggregate classification.
Comment: The RHO p.Ile307Phe variant was not identified in the literature nor was it identified in ClinVar. The variant was identified in dbSNP (ID: rs771322615) and in control databases in 66 of 251422 chromosomes at a frequency of 0.0002625 (Genome Aggregation Database March 6, 2019, v2.1.1). The variant was observed in the following populations: South Asian in 62 of 30616 chromosomes (freq: 0.002025), Other in 3 of 6138 chromosomes (freq: 0.000489) and Latino in 1 of 34592 chromosomes (freq: 0.000029), but was not observed in the African, Ashkenazi Jewish, East Asian, European (Finnish), or European (non-Finnish) populations. The p.Ile307 residue is conserved in mammals and computational analyses (PolyPhen-2, SIFT, AlignGVGD, BLOSUM, MutationTaster) provide inconsistent predictions regarding the impact to the protein; this information is not very predictive of pathogenicity. The variant occurs outside of the splicing consensus sequence and in silico or computational prediction software programs (SpliceSiteFinder, MaxEntScan, NNSPLICE, GeneSplicer) do not predict a difference in splicing. In summary, based on the above information the clinical significance of this variant cannot be determined with certainty at this time. This variant is classified as a variant of uncertain significance.

NM_000539.3(RHO):c.919A>T (p.Ile307Phe)

Gene: RHO (rhodopsin; plus strand). Cytogenetic location: 3q22.1.
Variant type: single nucleotide variant.
Coding change: c.919A>T on transcript NM_000539.3 (MANE Select); coding-DNA position 919, A replaced by T.
Protein change: p.Ile307Phe; replaces isoleucine 307 with phenylalanine.
Molecular consequence: missense variant.
Genome position (GRCh38, 1-based): chr3:129,532,755, A>T. VCF-style: chr3-129532755-A-T. GRCh37 (hg19) VCF-style: chr3-129251598-A-T.
Other names: short protein forms I307F.
Identifiers: ClinVar variation 1049601 (VCV001049601.12), dbSNP rs771322615, ClinGen allele CA2607310.